The following is an entry in ClinVar:

ClinVar aggregate classification (germline): Likely benign (0 of 4 stars; one submission).

Conditions:
INPP5E-related disorder. Also called: INPP5E-related condition.

Submission:

PreventionGenetics, part of Exact Sciences
Classification: Likely benign for INPP5E-related condition. Last evaluated: 2022-08-29. Review status: no assertion criteria provided. Collection method: clinical testing. Allele origin: germline.
Comment: This variant is classified as likely benign based on ACMG/AMP sequence variant interpretation guidelines (Richards et al. 2015 PMID: 25741868, with internal and published modifications).

NM_019892.6(INPP5E):c.1725C>T (p.Ser575=)

Gene: INPP5E (inositol polyphosphate-5-phosphatase E; minus strand). Cytogenetic location: 9q34.3.
Variant type: single nucleotide variant.
Coding change: c.1725C>T on transcript NM_019892.6 (MANE Select); coding-DNA position 1725, C replaced by T.
Protein change: p.Ser575=; no amino-acid change (serine 575 retained).
Molecular consequence: synonymous variant.
Genome position (GRCh38, 1-based): chr9:136,430,354, G>A on the plus strand (C>T on the coding strand, the complement: INPP5E is on the minus strand). VCF-style: chr9-136430354-G-A. GRCh37 (hg19) VCF-style: chr9-139324806-G-A.
Other names: c.1722C>T, p.Ser574= (NM_001318502.2).
Identifiers: ClinVar variation 3354169 (VCV003354169.1).